The following is an entry in ClinVar:

ClinVar aggregate classification (germline): Uncertain significance (1 of 4 stars; one submission).

Submission:

Labcorp Genetics (formerly Invitae), Labcorp
Classification: Uncertain significance. Last evaluated: 2025-08-25. Review status: criteria provided, single submitter. Criteria: Invitae Variant Classification Sherloc (09022015). Collection method: clinical testing. Allele origin: germline.
Comment: This sequence change replaces leucine, which is neutral and non-polar, with phenylalanine, which is neutral and non-polar, at codon 460 of the MARK2 protein (p.Leu460Phe). This variant is not present in population databases (gnomAD no frequency). This variant has not been reported in the literature in individuals affected with MARK2-related conditions. An algorithm developed to predict the effect of missense changes on protein structure and function (PolyPhen-2) suggests that this variant is likely to be disruptive. In summary, the available evidence is currently insufficient to determine the role of this variant in disease. Therefore, it has been classified as a Variant of Uncertain Significance.

NM_001039469.3(MARK2):c.1480C>T (p.Leu494Phe)

Gene: MARK2 (microtubule affinity regulating kinase 2; plus strand). Cytogenetic location: 11q13.1.
Variant type: single nucleotide variant.
Coding change: c.1480C>T on transcript NM_001039469.3 (MANE Select); coding-DNA position 1480, C replaced by T.
Protein change: p.Leu494Phe; replaces leucine 494 with phenylalanine.
Molecular consequence: missense variant.
Genome position (GRCh38, 1-based): chr11:63,903,124, C>T. VCF-style: chr11-63903124-C-T. GRCh37 (hg19) VCF-style: chr11-63670596-C-T.
Other names: c.1480C>T, p.Leu494Phe (NM_001163296.2); c.1477C>T, p.Leu493Phe (NM_001163297.2, NM_004954.5); c.1378C>T, p.Leu460Phe (NM_017490.4); short protein forms L460F, L493F, L494F.
Identifiers: ClinVar variation 4713700 (VCV004713700.1).